The following is an entry in ClinVar:

ClinVar aggregate classification (germline): Uncertain significance (1 of 4 stars; one submission).

Submission:

Labcorp Genetics (formerly Invitae), Labcorp
Classification: Uncertain significance. Last evaluated: 2023-12-31. Review status: criteria provided, single submitter. Criteria: Invitae Variant Classification Sherloc (09022015). Collection method: clinical testing. Allele origin: germline.
Comment: This sequence change replaces proline, which is neutral and non-polar, with leucine, which is neutral and non-polar, at codon 434 of the IL6ST protein (p.Pro434Leu). This variant is not present in population databases (gnomAD no frequency). This variant has not been reported in the literature in individuals affected with IL6ST-related conditions. An algorithm developed to predict the effect of missense changes on protein structure and function (PolyPhen-2) suggests that this variant is likely to be disruptive. In summary, the available evidence is currently insufficient to determine the role of this variant in disease. Therefore, it has been classified as a Variant of Uncertain Significance.

NM_002184.4(IL6ST):c.1301C>T (p.Pro434Leu)

Gene: IL6ST (interleukin 6 cytokine family signal transducer; minus strand). Cytogenetic location: 5q11.2.
Variant type: single nucleotide variant.
Coding change: c.1301C>T on transcript NM_002184.4 (MANE Select); coding-DNA position 1301, C replaced by T.
Protein change: p.Pro434Leu; replaces proline 434 with leucine.
Molecular consequence: missense variant. On other transcripts: 3 prime UTR variant (1), non-coding transcript variant (2), intron variant (1).
Genome position (GRCh38, 1-based): chr5:55,954,959, G>A on the plus strand (C>T on the coding strand, the complement: IL6ST is on the minus strand). VCF-style: chr5-55954959-G-A. GRCh37 (hg19) VCF-style: chr5-55250787-G-A.
Other names: c.1301C>T, p.Pro434Leu (NM_001364275.2); c.1091C>T, p.Pro364Leu (NM_001364276.2); c.434C>T, p.Pro145Leu (NM_001364277.2); c.398C>T, p.Pro133Leu (NM_001364278.2); c.305C>T, p.Pro102Leu (NM_001364279.2); c.*228C>T (NM_175767.3); c.1267+1066C>T (NM_001190981.2); short protein forms P133L, P145L, P102L, P364L, P434L.
Identifiers: ClinVar variation 2706743 (VCV002706743.3), dbSNP rs140433866, ClinGen allele CA359763663.